The following is an entry in ClinVar:

NM_000260.4(MYO7A):c.6027C>T (p.Ala2009=)

Gene: MYO7A (myosin VIIA; plus strand). Cytogenetic location: 11q13.5.
Variant type: single nucleotide variant.
Coding change: c.6027C>T on transcript NM_000260.4 (MANE Select); coding-DNA position 6027, C replaced by T.
Protein change: p.Ala2009=; no amino-acid change (alanine 2009 retained).
Molecular consequence: synonymous variant.
Genome position (GRCh38, 1-based): chr11:77,208,779, C>T. VCF-style: chr11-77208779-C-T. GRCh37 (hg19) VCF-style: chr11-76919824-C-T.
Other names: c.5913C>T, p.Ala1971= (NM_001127180.2); c.5880C>T, p.Ala1960= (NM_001369365.1).
Identifiers: ClinVar variation 515614 (VCV000515614.32), dbSNP rs140575390, ClinGen allele CA6198903.
Genomic context (GRCh38, chr11:77,208,779, plus strand): 5'-CCAGGTGTTCTTCATGAAGAAGCTGTGGACCACCACGGTGCCAGGGAAGGATCCCATGGC[C>T]GATTCCATCTTCCACTATTACCAGGTGGGCACCTCTGCACTCTAGTTGCCTTCGTGCACA-3'
Protein context (NP_000251.3, residues 1999-2019): TTTVPGKDPM[Ala2009=]DSIFHYYQEL

ClinVar aggregate classification (germline): Likely benign. Review status: criteria provided, multiple submitters, no conflicts (2 of 4 stars). 4 submissions from 4 submitters: Likely benign (4). Last evaluated 2025-05-05.

Allele frequency attached by ClinVar (database versions not stated): gnomAD exomes 0.00003 and 0.00008; ESP Exome Variant Server 0.00008; TOPMed 0.00009; gnomAD 0.00011 and 0.00012; ExAC 0.00025; 1000 Genomes Project 0.00040; 1000 Genomes Project 30x 0.00047.
gnomAD v4.1: 68 of 1,571,218 alleles (0.0043%); highest among the groups gnomAD compares: African/African-American, 0.031%; no homozygotes.

Submissions (4):

Labcorp Genetics (formerly Invitae), Labcorp
Classification: Likely benign. Last evaluated: 2025-05-05. Review status: criteria provided, single submitter. Criteria: Invitae Variant Classification Sherloc (09022015). Collection method: clinical testing. Allele origin: germline.

CeGaT Center for Human Genetics Tuebingen
Classification: Likely benign. Last evaluated: 2024-05-01. Review status: criteria provided, single submitter. Criteria: CeGaT Center For Human Genetics Tuebingen Variant Classification Criteria Version 2. Collection method: clinical testing. Allele origin: germline. Affected: yes. Observed: 1 variant allele.
Comment: MYO7A: BP4, BP7

Blueprint Genetics
Classification: Likely benign. Last evaluated: 2019-08-21. Review status: criteria provided, single submitter. Criteria: ACMG Guidelines, 2015. Collection method: clinical testing. Allele origin: germline.

GeneDx
Classification: Likely benign. Last evaluated: 2018-02-19. Review status: criteria provided, single submitter. Criteria: GeneDx Variant Classification (06012015). Collection method: clinical testing. Allele origin: germline. Affected: yes.
Comment: This variant is considered likely benign or benign based on one or more of the following criteria: it is a conservative change, it occurs at a poorly conserved position in the protein, it is predicted to be benign by multiple in silico algorithms, and/or has population frequency not consistent with disease.